The following is an entry in ClinVar:

NM_001378615.1(CC2D2A):c.833G>A (p.Arg278Gln)

Genes: CC2D2A (coiled-coil and C2 domain containing 2A; plus strand), FBXL5 (F-box and leucine rich repeat protein 5; minus strand). Cytogenetic location: 4p15.32.
Variant type: single nucleotide variant.
Coding change: c.833G>A on transcript NM_001378615.1 (MANE Select); coding-DNA position 833, G replaced by A.
Protein change: p.Arg278Gln; replaces arginine 278 with glutamine.
Molecular consequence: missense variant.
Genome position (GRCh38, 1-based): chr4:15,514,822, G>A. VCF-style: chr4-15514822-G-A. GRCh37 (hg19) VCF-style: chr4-15516445-G-A.
Other names: c.833G>A, p.Arg278Gln (NM_001080522.2); c.686G>A, p.Arg229Gln (NM_001378617.1); short protein forms R278Q, R229Q.
Identifiers: ClinVar variation 956192 (VCV000956192.10), dbSNP rs775794635, ClinGen allele CA2863500.

ClinVar aggregate classification (germline): Uncertain significance. Review status: criteria provided, multiple submitters, no conflicts (2 of 4 stars). 2 submissions from 2 submitters: Uncertain significance (2). Last evaluated 2024-05-23.

Conditions:
Meckel-Gruber syndrome. Also called: Dysencephalia splachnocystica; DYSENCEPHALIA SPLANCHNOCYSTICA; GRUBER SYNDROME. Identifiers: Orphanet 564, MedGen C0265215, MONDO:0018921.
Joubert syndrome. Also called: Familial aplasia of the vermis; JOUBERT-BOLTSHAUSER SYNDROME. Identifiers: Orphanet 475, MedGen C5979921, MONDO:0018772.
Joubert syndrome 9 (JBTS9). Identifiers: Orphanet 2318, MedGen C2676788, MONDO:0012849, OMIM 612285.

Allele frequency attached by ClinVar (database versions not stated): ExAC 0.00001; gnomAD 0.00001; gnomAD exomes 0.00002; TOPMed 0.00002.
gnomAD v4.1: 48 of 1,613,694 alleles (0.003%); highest among the groups gnomAD compares: Non-Finnish European, 0.004%; no homozygotes.

Submissions (2):

Pittsburgh Clinical Genomics Laboratory, University of Pittsburgh Medical Center
Classification: Uncertain significance for Joubert syndrome 9. Last evaluated: 2024-05-23. Review status: criteria provided, single submitter. Criteria: ACMG Guidelines, 2015. Collection method: clinical testing. Allele origin: germline. Inheritance: Autosomal recessive inheritance. Affected: yes.
Comment: This sequence variant is a single nucleotide substitution (G>A) at position 833 of the coding sequence of the CC2D2A gene that results in an arginine to glutamine amino acid change at residue 278 of the coiled-coil and C2 domain containing 2A protein. This is a previously reported variant (ClinVar 956192) that has not been observed in individuals affected by CC2D2A-related disorder in the published literature, to our knowledge. This variant is present in 48 of 1613694 alleles (0.0030%) in the gnomAD v4.1.0 population dataset. Multiple bioinformatic tools predict that this amino acid change would be neutral, and the Arg278 residue at this position is poorly conserved across the vertebrate species examined. Studies examining the functional consequence of this variant have not been published, to our knowledge. At this time, there is insufficient evidence to determine if this variant is pathogenic or benign. Therefore, we consider this a variant of uncertain significance. ACMG Criteria: BP4, PM2

Labcorp Genetics (formerly Invitae), Labcorp
Classification: Uncertain significance for Joubert syndrome; Meckel-Gruber syndrome. Last evaluated: 2024-04-17. Review status: criteria provided, single submitter. Criteria: Invitae Variant Classification Sherloc (09022015). Collection method: clinical testing. Allele origin: germline.
Comment: This sequence change replaces arginine, which is basic and polar, with glutamine, which is neutral and polar, at codon 278 of the CC2D2A protein (p.Arg278Gln). This variant is present in population databases (rs775794635, gnomAD 0.007%). This variant has not been reported in the literature in individuals affected with CC2D2A-related conditions. ClinVar contains an entry for this variant (Variation ID: 956192). Advanced modeling of protein sequence and biophysical properties (such as structural, functional, and spatial information, amino acid conservation, physicochemical variation, residue mobility, and thermodynamic stability) performed at Invitae indicates that this missense variant is not expected to disrupt CC2D2A protein function with a negative predictive value of 95%. In summary, the available evidence is currently insufficient to determine the role of this variant in disease. Therefore, it has been classified as a Variant of Uncertain Significance.